The following is an entry in ClinVar:

NM_014476.6(PDLIM3):c.983A>G (p.Lys328Arg)

Gene: PDLIM3 (PDZ and LIM domain 3; minus strand). Cytogenetic location: 4q35.1.
Variant type: single nucleotide variant.
Coding change: c.983A>G on transcript NM_014476.6 (MANE Select); coding-DNA position 983, A replaced by G.
Protein change: p.Lys328Arg; replaces lysine 328 with arginine.
Molecular consequence: missense variant. On other transcripts: non-coding transcript variant (1).
Genome position (GRCh38, 1-based): chr4:185,502,406, T>C on the plus strand (A>G on the coding strand, the complement: PDLIM3 is on the minus strand). VCF-style: chr4-185502406-T-C. GRCh37 (hg19) VCF-style: chr4-186423560-T-C.
Other names: c.839A>G, p.Lys280Arg (NM_001114107.5); c.719A>G, p.Lys240Arg (NM_001257962.2); c.482A>G, p.Lys161Arg (NM_001257963.2); short protein forms K328R, K161R, K240R, K280R.
Identifiers: ClinVar variation 1768354 (VCV001768354.2), dbSNP rs1299231345, ClinGen allele CA358919539.

ClinVar aggregate classification (germline): Uncertain significance (1 of 4 stars; one submission).

Allele frequency attached by ClinVar (database versions not stated): gnomAD exomes 0.00001; gnomAD 0.00002.
gnomAD v4.1: 7 of 1,614,066 alleles (0.00043%); highest among the groups gnomAD compares: South Asian, 0.0066%; no homozygotes.

Submission:

Ambry Genetics
Classification: Uncertain significance. Last evaluated: 2021-06-12. Review status: criteria provided, single submitter. Criteria: Ambry Variant Classification Scheme 2023. Collection method: clinical testing. Allele origin: germline.
Comment: The p.K328R variant (also known as c.983A>G), located in coding exon 8 of the PDLIM3 gene, results from an A to G substitution at nucleotide position 983. The lysine at codon 328 is replaced by arginine, an amino acid with highly similar properties. This amino acid position is conserved. In addition, the in silico prediction for this alteration is inconclusive. Since supporting evidence is limited at this time, the clinical significance of this alteration remains unclear.